The following is an entry in ClinVar:

NM_031935.3(HMCN1):c.14315C>T (p.Thr4772Met)

Gene: HMCN1 (hemicentin 1; plus strand). Cytogenetic location: 1q31.1.
Variant type: single nucleotide variant.
Coding change: c.14315C>T on transcript NM_031935.3 (MANE Select); coding-DNA position 14315, C replaced by T.
Protein change: p.Thr4772Met; replaces threonine 4772 with methionine.
Molecular consequence: missense variant.
Genome position (GRCh38, 1-based): chr1:186,145,451, C>T. VCF-style: chr1-186145451-C-T. GRCh37 (hg19) VCF-style: chr1-186114583-C-T.
Other names: short protein forms T4772M.
Identifiers: ClinVar variation 1425643 (VCV001425643.6), dbSNP rs762054878, ClinGen allele CA1294918.

ClinVar aggregate classification (germline): Uncertain significance (1 of 4 stars; one submission).

Allele frequency attached by ClinVar (database versions not stated): TOPMed 0.00001; gnomAD 0.00002; gnomAD exomes 0.00002; ExAC 0.00003.
gnomAD v4.1: 47 of 1,603,680 alleles (0.0029%); highest among the groups gnomAD compares: African/African-American, 0.004%; no homozygotes.

Submission:

Labcorp Genetics (formerly Invitae), Labcorp
Classification: Uncertain significance. Last evaluated: 2024-11-05. Review status: criteria provided, single submitter. Criteria: Invitae Variant Classification Sherloc (09022015). Collection method: clinical testing. Allele origin: germline.
Comment: This sequence change replaces threonine, which is neutral and polar, with methionine, which is neutral and non-polar, at codon 4772 of the HMCN1 protein (p.Thr4772Met). This variant is present in population databases (rs762054878, gnomAD 0.004%). This variant has not been reported in the literature in individuals affected with HMCN1-related conditions. ClinVar contains an entry for this variant (Variation ID: 1425643). An algorithm developed to predict the effect of missense changes on protein structure and function (PolyPhen-2) suggests that this variant is likely to be disruptive. In summary, the available evidence is currently insufficient to determine the role of this variant in disease. Therefore, it has been classified as a Variant of Uncertain Significance.